The following is an entry in ClinVar:

NM_006343.3(MERTK):c.463G>A (p.Ala155Thr)

Gene: MERTK (MER proto-oncogene, tyrosine kinase; plus strand). Cytogenetic location: 2q13.
Variant type: single nucleotide variant.
Coding change: c.463G>A on transcript NM_006343.3 (MANE Select); coding-DNA position 463, G replaced by A.
Protein change: p.Ala155Thr; replaces alanine 155 with threonine.
Molecular consequence: missense variant.
Genome position (GRCh38, 1-based): chr2:111,929,521, G>A. VCF-style: chr2-111929521-G-A. GRCh37 (hg19) VCF-style: chr2-112687098-G-A.
Other names: short protein forms A155T.
Identifiers: ClinVar variation 1358239 (VCV001358239.8), dbSNP rs373445297, ClinGen allele CA53561466.

ClinVar aggregate classification (germline): Uncertain significance (1 of 4 stars; one submission).

Allele frequency attached by ClinVar (database versions not stated): gnomAD exomes below 0.00001; ESP Exome Variant Server 0.00008.

Submission:

Labcorp Genetics (formerly Invitae), Labcorp
Classification: Uncertain significance. Last evaluated: 2023-08-17. Review status: criteria provided, single submitter. Criteria: Invitae Variant Classification Sherloc (09022015). Collection method: clinical testing. Allele origin: germline.
Comment: This sequence change replaces alanine, which is neutral and non-polar, with threonine, which is neutral and polar, at codon 155 of the MERTK protein (p.Ala155Thr). This variant is not present in population databases (gnomAD no frequency). This variant has not been reported in the literature in individuals affected with MERTK-related conditions. In summary, the available evidence is currently insufficient to determine the role of this variant in disease. Therefore, it has been classified as a Variant of Uncertain Significance. Algorithms developed to predict the effect of missense changes on protein structure and function output the following: SIFT: "Not Available"; PolyPhen-2: "Benign"; Align-GVGD: "Not Available". The threonine amino acid residue is found in multiple mammalian species, which suggests that this missense change does not adversely affect protein function. ClinVar contains an entry for this variant (Variation ID: 1358239).